The following is an entry in ClinVar:

ClinVar aggregate classification (germline): Likely benign (1 of 4 stars; one submission).

Submission:

GeneDx
Classification: Likely benign. Last evaluated: 2014-01-11. Review status: criteria provided, single submitter. Criteria: GeneDx Variant Classification (06012015). Collection method: clinical testing. Allele origin: germline. Affected: yes.
Comment: This variant is considered likely benign or benign based on one or more of the following criteria: it is a conservative change, it occurs at a poorly conserved position in the protein, it is predicted to be benign by multiple in silico algorithms, and/or has population frequency not consistent with disease.

NM_032861.4(SERAC1):c.259A>T (p.Asn87Tyr)

Gene: SERAC1 (serine active site containing 1; minus strand). Cytogenetic location: 6q25.3.
Variant type: single nucleotide variant.
Coding change: c.259A>T on transcript NM_032861.4 (MANE Select); coding-DNA position 259, A replaced by T.
Protein change: p.Asn87Tyr; replaces asparagine 87 with tyrosine.
Molecular consequence: missense variant. On other transcripts: non-coding transcript variant (1).
Genome position (GRCh38, 1-based): chr6:158,150,459, T>A on the plus strand (A>T on the coding strand, the complement: SERAC1 is on the minus strand). VCF-style: chr6-158150459-T-A. GRCh37 (hg19) VCF-style: chr6-158571491-T-A.
Other names: p.N87Y:AAT>TAT; short protein forms N87Y.
Identifiers: ClinVar variation 215136 (VCV000215136.1), dbSNP rs863224199, ClinGen allele CA325194.
Genomic context (GRCh38, chr6:158,150,459, plus strand): 5'-AATGCAATAACTAGCTTCCATTTTTCACAGAGGATTACTTTACAATAAACTTACCATGAT[T>A]TTCTCCTTTGTCTAAAGAAACTGTGTGCACATATATATATGACTTCATTTTTTCTCGTTC-3'
Protein context (NP_116250.3, residues 77-97): VHTVSLDKGE[Asn87Tyr]HGIAWQARKE